The following is an entry in ClinVar:

ClinVar aggregate classification (germline): Likely pathogenic. Review status: criteria provided, single submitter (1 of 4 stars). 2 submissions from 2 submitters: Likely pathogenic (1). 1 of the submissions does not count toward it. Last evaluated 2025-12-15.

Conditions:
Autosomal recessive polycystic kidney disease (ARPKD). Also called: AR polycystic kidney disease. Identifiers: Orphanet 731, Orphanet 8378, MedGen C0085548, MeSH D017044, MONDO:0009889.

Submissions (2):

Labcorp Genetics (formerly Invitae), Labcorp
Classification: Likely pathogenic for Autosomal recessive polycystic kidney disease. Last evaluated: 2025-12-15. Review status: criteria provided, single submitter. Criteria: Invitae Variant Classification Sherloc (09022015). Collection method: clinical testing. Allele origin: germline.
Comment: This sequence change replaces isoleucine, which is neutral and non-polar, with threonine, which is neutral and polar, at codon 153 of the PKHD1 protein (p.Ile153Thr). This variant is not present in population databases (gnomAD no frequency). This missense change has been observed in individual(s) with PKHD1-related conditions (PMID: 34645488). ClinVar contains an entry for this variant (Variation ID: 917954). Invitae Evidence Modeling of protein sequence and biophysical properties (such as structural, functional, and spatial information, amino acid conservation, physicochemical variation, residue mobility, and thermodynamic stability) indicates that this missense variant is expected to disrupt PKHD1 protein function with a positive predictive value of 95%. In summary, the currently available evidence indicates that the variant is pathogenic, but additional data are needed to prove that conclusively. Therefore, this variant has been classified as Likely Pathogenic.

Genomic Medicine Center of Excellence, King Faisal Specialist Hospital and Research Centre
Classification: Likely pathogenic for Polycystic kidney disease 4. Review status: no assertion criteria provided. Collection method: research. Allele origin: germline. Affected: yes. Not counted in ClinVar's aggregate classification.

Literature cited by the submitters: PubMed 34645488 (cited by Labcorp Genetics (formerly Invitae), Labcorp).

NM_138694.4(PKHD1):c.458T>C (p.Ile153Thr)

Gene: PKHD1 (PKHD1 ciliary IPT domain containing fibrocystin/polyductin; minus strand). Cytogenetic location: 6p12.2.
Variant type: single nucleotide variant.
Coding change: c.458T>C on transcript NM_138694.4 (MANE Select); coding-DNA position 458, T replaced by C.
Protein change: p.Ile153Thr; replaces isoleucine 153 with threonine.
Molecular consequence: missense variant.
Genome position (GRCh38, 1-based): chr6:52,073,532, A>G on the plus strand (T>C on the coding strand, the complement: PKHD1 is on the minus strand). VCF-style: chr6-52073532-A-G. GRCh37 (hg19) VCF-style: chr6-51938330-A-G.
Other names: c.458T>C, p.Ile153Thr (NM_170724.3); short protein forms I153T.
Identifiers: ClinVar variation 917954 (VCV000917954.2), dbSNP rs1810936262, ClinGen allele CA364436371.